The following is an entry in ClinVar:

NM_006662.3(SRCAP):c.3254-8G>T

Gene: SRCAP (Snf2 related CREBBP activator protein; plus strand). Cytogenetic location: 16p11.2.
Variant type: single nucleotide variant.
Coding change: c.3254-8G>T on transcript NM_006662.3 (MANE Select); 8 bases into the intron before coding-DNA position 3254, G replaced by T.
Molecular consequence: intron variant.
Genome position (GRCh38, 1-based): chr16:30,721,181, G>T. VCF-style: chr16-30721181-G-T. GRCh37 (hg19) VCF-style: chr16-30732502-G-T.
Identifiers: ClinVar variation 4883206 (VCV004883206.2).

ClinVar aggregate classification (germline): Uncertain significance (1 of 4 stars; one submission).

Conditions:
Floating-Harbor syndrome (FLHS). Also called: Short stature with delayed bone age, expressive language delay, a triangular face with a prominent nose and deep-set eyes; Pelletier-Leisti syndrome; SRCAP-Related Floating-Harbor Syndrome. Identifiers: Orphanet 2044, MedGen C0729582, MONDO:0007621, OMIM 136140.

Submission:

Dasa
Classification: Uncertain significance for Floating-Harbor syndrome. Last evaluated: 2025-07-09. Review status: criteria provided, single submitter. Criteria: DASA Assertion Criteria. Collection method: clinical testing. Allele origin: germline.
Comment: NM_006662.3(SRCAP):c.3254-8G>T is a splice-region variant. This variant is absent from population databases. Computational prediction algorithms are consistent with a benign effect. The currently available literature and clinical evidence are not sufficient to establish a definitive association between this variant and the reported condition. Therefore, this variant is classified as a variant of uncertain significance.